The following is an entry in ClinVar:

ClinVar aggregate classification (germline): Benign (1 of 4 stars; one submission).

Allele frequency attached by ClinVar (database versions not stated): gnomAD 0.13672 and 0.13715; TOPMed 0.14882; 1000 Genomes Project 0.19688; 1000 Genomes Project 30x 0.19691.
gnomAD v4.1: 20,798 of 152,128 alleles (14%); highest among the groups gnomAD compares: East Asian, 36%; 2,287 homozygotes.

Submission:

GeneDx
Classification: Benign. Last evaluated: 2018-06-14. Review status: criteria provided, single submitter. Criteria: GeneDx Variant Classification (06012015). Collection method: clinical testing. Allele origin: germline. Affected: yes.
Comment: This variant is considered likely benign or benign based on one or more of the following criteria: it is a conservative change, it occurs at a poorly conserved position in the protein, it is predicted to be benign by multiple in silico algorithms, and/or has population frequency not consistent with disease.

NM_001105206.3(LAMA4):c.298-213A>T

Gene: LAMA4 (laminin subunit alpha 4; minus strand). Cytogenetic location: 6q21.
Variant type: single nucleotide variant.
Coding change: c.298-213A>T on transcript NM_001105206.3 (MANE Select); 213 bases into the intron before coding-DNA position 298, A replaced by T.
Molecular consequence: intron variant.
Genome position (GRCh38, 1-based): chr6:112,207,358, T>A on the plus strand (A>T on the coding strand, the complement: LAMA4 is on the minus strand). VCF-style: chr6-112207358-T-A. GRCh37 (hg19) VCF-style: chr6-112528559-T-A.
Other names: c.298-213A>T (NM_002290.5, NM_001105207.3).
Identifiers: ClinVar variation 672703 (VCV000672703.1), dbSNP rs6909615, ClinGen allele CA144891266.